The following is an entry in ClinVar:

ClinVar aggregate classification (germline): Uncertain significance (1 of 4 stars; one submission).

Conditions:
Developmental delay with or without dysmorphic facies and autism. Identifiers: MedGen C5193106, MONDO:0032760, OMIM 618454.

Submission:

Victorian Clinical Genetics Services, Murdoch Childrens Research Institute
Classification: Uncertain significance for Developmental delay with or without dysmorphic facies and autism. Last evaluated: 2022-02-02. Review status: criteria provided, single submitter. Criteria: ACMG Guidelines, 2015. Collection method: clinical testing. Allele origin: germline. Inheritance: Autosomal dominant inheritance. Affected: yes.
Comment: Based on the classification scheme VCGS_Germline_v1.3.4, this variant is classified as VUS-3A. Following criteria are met: 0105 - The mechanism of disease for this gene is not clearly established. (I) 0107 - This gene is associated with autosomal dominant disease. (I) 0200 - Variant is predicted to result in a missense amino acid change from arginine to histidine. (I) 0251 - This variant is heterozygous. (I) 0301 - Variant is absent from gnomAD (both v2 and v3). (SP) 0502 - Missense variant with conflicting in silico predictions and high conservation. (I) 0603 - Missense variant in a region that is highly intolerant to missense variation (high constraint region in DECIPHER). (SP) 0710 - Another missense variant comparable to the one identified in this case has inconclusive previous evidence for pathogenicity. p.(Arg3850Cys) has been reported once as a VUS in LOVD by VKGL. (I) 0807 - This variant has no previous evidence of pathogenicity. (I) 0905 - No published segregation evidence has been identified for this variant. (I) 1007 - No published functional evidence has been identified for this variant. (I) 1208 - Inheritance information for this variant is not currently available in this individual. (I) Legend: (SP) - Supporting pathogenic, (I) - Information, (SB) - Supporting benign

NM_001375524.1(TRRAP):c.11591G>A (p.Arg3864His)

Gene: TRRAP (transformation/transcription domain associated protein; plus strand). Cytogenetic location: 7q22.1.
Variant type: single nucleotide variant.
Coding change: c.11591G>A on transcript NM_001375524.1 (MANE Select); coding-DNA position 11591, G replaced by A.
Protein change: p.Arg3864His; replaces arginine 3864 with histidine.
Molecular consequence: missense variant.
Genome position (GRCh38, 1-based): chr7:99,012,324, G>A. VCF-style: chr7-99012324-G-A. GRCh37 (hg19) VCF-style: chr7-98609947-G-A.
Other names: c.11549G>A, p.Arg3850His (NM_001244580.2); c.11462G>A, p.Arg3821His (NM_003496.4); short protein forms R3821H, R3850H, R3864H.
Identifiers: ClinVar variation 1805246 (VCV001805246.1), dbSNP rs2485086255, ClinGen allele CA368345320.